The following is an entry in ClinVar:

NM_025114.4(CEP290):c.6037T>G (p.Ser2013Ala)

Gene: CEP290 (centrosomal protein 290; minus strand). Cytogenetic location: 12q21.32.
Variant type: single nucleotide variant.
Coding change: c.6037T>G on transcript NM_025114.4 (MANE Select); coding-DNA position 6037, T replaced by G.
Protein change: p.Ser2013Ala; replaces serine 2013 with alanine.
Molecular consequence: missense variant.
Genome position (GRCh38, 1-based): chr12:88,068,620, A>C on the plus strand (T>G on the coding strand, the complement: CEP290 is on the minus strand). VCF-style: chr12-88068620-A-C. GRCh37 (hg19) VCF-style: chr12-88462397-A-C.
Other names: c.6037T>G (NM_025114.3); short protein forms S2013A.
Identifiers: ClinVar variation 1061425 (VCV001061425.11), dbSNP rs2136913105, ClinGen allele CA385982365.

ClinVar aggregate classification (germline): Uncertain significance. Review status: criteria provided, multiple submitters, no conflicts (2 of 4 stars). 3 submissions from 3 submitters: Uncertain significance (2). 1 of the submissions does not count toward it. Last evaluated 2025-03-17.

Conditions:
CEP290-related disorder. Also called: CEP290-related condition; CEP290-related disorders. Identifiers: MedGen CN239314.
Joubert syndrome. Also called: Familial aplasia of the vermis; CEREBELLOPARENCHYMAL DISORDER IV; JOUBERT-BOLTSHAUSER SYNDROME. Identifiers: Orphanet 475, MedGen C5979921, MONDO:0018772.
Meckel-Gruber syndrome. Also called: Dysencephalia splachnocystica; DYSENCEPHALIA SPLANCHNOCYSTICA; GRUBER SYNDROME. Identifiers: Orphanet 564, MedGen C0265215, MONDO:0018921.
Nephronophthisis. Also called: Juvenile Nephronophthisis. Identifiers: Orphanet 655, MedGen C0687120, MONDO:0019005, HP:0000090.
Leber congenital amaurosis (LCA). Also called: Leber's amaurosis. Identifiers: Orphanet 65, MedGen C0339527, MeSH D057130, MONDO:0018998.

Allele frequency attached by ClinVar (database versions not stated): gnomAD exomes 0.00001.
gnomAD v4.1: 13 of 1,594,384 alleles (0.00082%); highest among the groups gnomAD compares: Non-Finnish European, 0.0011%; no homozygotes.

Submissions (3):

Labcorp Genetics (formerly Invitae), Labcorp
Classification: Uncertain significance for Joubert syndrome; Meckel-Gruber syndrome; Nephronophthisis. Last evaluated: 2025-03-17. Review status: criteria provided, single submitter. Criteria: Invitae Variant Classification Sherloc (09022015). Collection method: clinical testing. Allele origin: germline.
Comment: This sequence change replaces serine, which is neutral and polar, with alanine, which is neutral and non-polar, at codon 2013 of the CEP290 protein (p.Ser2013Ala). This variant is not present in population databases (gnomAD no frequency). This variant has not been reported in the literature in individuals affected with CEP290-related conditions. ClinVar contains an entry for this variant (Variation ID: 1061425). Invitae Evidence Modeling of protein sequence and biophysical properties (such as structural, functional, and spatial information, amino acid conservation, physicochemical variation, residue mobility, and thermodynamic stability) indicates that this missense variant is not expected to disrupt CEP290 protein function with a negative predictive value of 80%. In summary, the available evidence is currently insufficient to determine the role of this variant in disease. Therefore, it has been classified as a Variant of Uncertain Significance.

PreventionGenetics, part of Exact Sciences
Classification: Uncertain significance for CEP290-related condition. Last evaluated: 2023-01-03. Review status: criteria provided, single submitter. Criteria: ACMG Guidelines, 2015. Collection method: clinical testing. Allele origin: germline.
Comment: The CEP290 c.6037T>G variant is predicted to result in the amino acid substitution p.Ser2013Ala. To our knowledge, this variant has not been reported in the literature or in a large population database, indicating this variant is rare. At this time, the clinical significance of this variant is uncertain due to the absence of conclusive functional and genetic evidence.

Natera, Inc.
Classification: Uncertain significance for Leber congenital amaurosis. Last evaluated: 2021-08-31. Review status: no assertion criteria provided. Collection method: clinical testing. Allele origin: germline. Not counted in ClinVar's aggregate classification.